The following is an entry in ClinVar:

NM_004958.4(MTOR):c.6216+7G>A

Gene: MTOR (mechanistic target of rapamycin kinase; minus strand). Cytogenetic location: 1p36.22.
Variant type: single nucleotide variant.
Coding change: c.6216+7G>A on transcript NM_004958.4 (MANE Select); 7 bases into the intron after coding-DNA position 6216, G replaced by A.
Molecular consequence: intron variant.
Genome position (GRCh38, 1-based): chr1:11,127,617, C>T on the plus strand (G>A on the coding strand, the complement: MTOR is on the minus strand). VCF-style: chr1-11127617-C-T. GRCh37 (hg19) VCF-style: chr1-11187674-C-T.
Other names: c.4968+7G>A (NM_001386501.1); c.6216+7G>A (NM_001386500.1, NM_004958.3).
Identifiers: ClinVar variation 1529767 (VCV001529767.9), dbSNP rs770282056, ClinGen allele CA589158.
Genomic context (GRCh38, chr1:11,127,617, plus strand): 5'-TTTCATTTTTTTTTAGTGGCAGAATATTTCTACAGGGTTATGTCCTTTCGTGTTTTTTAC[C>T]CCATACCTGATTAAAGGATGTTTCCTTCAGAGTCTGGGGGCCCCGTTCCATCATAGCATG-3'

ClinVar aggregate classification (germline): Likely benign. Review status: criteria provided, multiple submitters, no conflicts (2 of 4 stars). 2 submissions from 2 submitters: Likely benign (2). Last evaluated 2025-10-02.

Conditions:
MTOR-related disorder. Also called: MTOR-related condition.

Allele frequency attached by ClinVar (database versions not stated): TOPMed below 0.00001; ExAC 0.00003; gnomAD 0.00001; gnomAD exomes 0.00002.
gnomAD v4.1: 15 of 1,608,326 alleles (0.00093%); highest among the groups gnomAD compares: South Asian, 0.014%; no homozygotes.

Submissions (2):

Labcorp Genetics (formerly Invitae), Labcorp
Classification: Likely benign. Last evaluated: 2025-10-02. Review status: criteria provided, single submitter. Criteria: Invitae Variant Classification Sherloc (09022015). Collection method: clinical testing. Allele origin: germline.

PreventionGenetics, part of Exact Sciences
Classification: Likely benign for MTOR-related condition. Last evaluated: 2024-10-08. Review status: criteria provided, single submitter. Criteria: ACMG Guidelines, 2015. Collection method: clinical testing. Allele origin: germline.
Comment: This variant is classified as likely benign based on ACMG/AMP sequence variant interpretation guidelines (Richards et al. 2015 PMID: 25741868, with internal and published modifications).